The following is an entry in ClinVar:

NM_001025616.3(ARHGAP24):c.116G>A (p.Arg39His)

Gene: ARHGAP24 (Rho GTPase activating protein 24; plus strand). Cytogenetic location: 4q21.23.
Variant type: single nucleotide variant.
Coding change: c.116G>A on transcript NM_001025616.3 (MANE Select); coding-DNA position 116, G replaced by A.
Protein change: p.Arg39His; replaces arginine 39 with histidine.
Molecular consequence: missense variant.
Genome position (GRCh38, 1-based): chr4:85,570,657, G>A. VCF-style: chr4-85570657-G-A. GRCh37 (hg19) VCF-style: chr4-86491810-G-A.
Other names: short protein forms R39H.
Identifiers: ClinVar variation 2232415 (VCV002232415.4), dbSNP rs770958088, ClinGen allele CA2994319.

ClinVar aggregate classification (germline): Uncertain significance. Review status: criteria provided, multiple submitters, no conflicts (2 of 4 stars). 2 submissions from 2 submitters: Uncertain significance (2). Last evaluated 2024-10-16.

Allele frequency attached by ClinVar (database versions not stated): TOPMed below 0.00001.
gnomAD v4.1: 7 of 1,614,072 alleles (0.00043%); highest among the groups gnomAD compares: South Asian, 0.0011%; no homozygotes.

Submissions (2):

Labcorp Genetics (formerly Invitae), Labcorp
Classification: Uncertain significance. Last evaluated: 2024-10-16. Review status: criteria provided, single submitter. Criteria: Invitae Variant Classification Sherloc (09022015). Collection method: clinical testing. Allele origin: germline.
Comment: This sequence change replaces arginine, which is basic and polar, with histidine, which is basic and polar, at codon 39 of the ARHGAP24 protein (p.Arg39His). This variant is present in population databases (rs770958088, gnomAD 0.004%). This variant has not been reported in the literature in individuals affected with ARHGAP24-related conditions. ClinVar contains an entry for this variant (Variation ID: 2232415). An algorithm developed to predict the effect of missense changes on protein structure and function (PolyPhen-2) suggests that this variant is likely to be disruptive. In summary, the available evidence is currently insufficient to determine the role of this variant in disease. Therefore, it has been classified as a Variant of Uncertain Significance.

Ambry Genetics
Classification: Uncertain significance. Last evaluated: 2021-06-11. Review status: criteria provided, single submitter. Criteria: Ambry Variant Classification Scheme 2023. Collection method: clinical testing. Allele origin: germline.